The following is an entry in ClinVar:

NM_198253.3(TERT):c.1552G>T (p.Ala518Ser)

Gene: TERT (telomerase reverse transcriptase; minus strand). Cytogenetic location: 5p15.33.
Variant type: single nucleotide variant.
Coding change: c.1552G>T on transcript NM_198253.3 (MANE Select); coding-DNA position 1552, G replaced by T.
Protein change: p.Ala518Ser; replaces alanine 518 with serine.
Molecular consequence: missense variant. On other transcripts: non-coding transcript variant (2).
Genome position (GRCh38, 1-based): chr5:1,293,334, C>A on the plus strand (G>T on the coding strand, the complement: TERT is on the minus strand). VCF-style: chr5-1293334-C-A. GRCh37 (hg19) VCF-style: chr5-1293449-C-A.
Other names: c.1552G>T, p.Ala518Ser (NM_001193376.3); short protein forms A518S.
Identifiers: ClinVar variation 665298 (VCV000665298.15), dbSNP rs551522837, ClinGen allele CA3184828.

ClinVar aggregate classification (germline): Conflicting classifications of pathogenicity. Review status: criteria provided, conflicting classifications (1 of 4 stars). 5 submissions from 5 submitters: Uncertain significance (3); Likely benign (2). Last evaluated 2026-01-11.

Conditions:
Dyskeratosis congenita. Identifiers: Orphanet 1775, MedGen C0265965, MONDO:0015780.
Idiopathic Pulmonary Fibrosis. Also called: Idiopathic fibrosing alveolitis, chronic form; idiopathic fibrosing alveolitis. Identifiers: Orphanet 2032, MedGen C1800706, MeSH D054990, MONDO:0800504.
Dyskeratosis congenita, autosomal dominant 2. Identifiers: MedGen C3151443, MONDO:0013521, OMIM 613989.
TERT-related disorder. Also called: TERT-related disorders; TERT-related condition.

Allele frequency attached by ClinVar (database versions not stated): gnomAD 0.00001; gnomAD exomes 0.00004; ExAC 0.00008; 1000 Genomes Project 30x 0.00047; 1000 Genomes Project 0.00060.

Submissions (5):

Labcorp Genetics (formerly Invitae), Labcorp
Classification: Likely benign for Dyskeratosis congenita, autosomal dominant 2; Idiopathic Pulmonary Fibrosis. Last evaluated: 2026-01-11. Review status: criteria provided, single submitter. Criteria: Invitae Variant Classification Sherloc (09022015). Collection method: clinical testing. Allele origin: germline.

PreventionGenetics, part of Exact Sciences
Classification: Uncertain significance for TERT-related condition. Last evaluated: 2025-01-22. Review status: criteria provided, single submitter. Criteria: ACMG Guidelines, 2015. Collection method: clinical testing. Allele origin: germline.
Comment: The TERT c.1552G>T variant is predicted to result in the amino acid substitution p.Ala518Ser. This variant has been reported in an individual with blastic plasmacytoid dendritic cell neoplasm among other variants (Gangat et al. 2022. PubMed ID: 34807470). This variant is reported in 0.029% of alleles in individuals of South Asian descent in gnomAD. At this time, the clinical significance of this variant is uncertain due to the absence of conclusive functional and genetic evidence.

Ambry Genetics
Classification: Likely benign for Dyskeratosis congenita. Last evaluated: 2024-12-20. Review status: criteria provided, single submitter. Criteria: Ambry Variant Classification Scheme 2023. Collection method: clinical testing. Allele origin: germline.

GeneDx
Classification: Uncertain significance. Last evaluated: 2023-07-24. Review status: criteria provided, single submitter. Criteria: GeneDx Variant Classification Process June 2021. Collection method: clinical testing. Allele origin: germline. Affected: yes.
Comment: In silico analysis supports that this missense variant does not alter protein structure/function; Has not been previously published as pathogenic or benign to our knowledge

Sema4
Classification: Uncertain significance for Dyskeratosis congenita. Last evaluated: 2021-09-30. Review status: criteria provided, single submitter. Criteria: Sema4 Curation Guidelines. Collection method: curation. Allele origin: germline.
Comment: The TERT c.1552G>T (p.A518S) variant has not been reported in the literature to our knowledge. It was observed in 9/30606 chromosomes of the South Asian subpopulation in the large and broad cohorts of the Genome Aggregation Database (PMID: 32461654). The variant has been reported in ClinVar (Variation ID: 665298). Functional studies have not been performed, and in silico predictions of the variant's effect on protein function are inconclusive. The evidence is insufficient to meet ACMG/AMP criteria for classifying the variant as benign or pathogenic. Thus, the clinical significance of this variant is currently uncertain.